The following is an entry in ClinVar:

ClinVar aggregate classification (germline): Uncertain significance (1 of 4 stars; one submission).

Allele frequency attached by ClinVar (database versions not stated): gnomAD exomes below 0.00001; ExAC 0.00001.
gnomAD v4.1: 2 of 1,614,168 alleles (0.00012%); highest among the groups gnomAD compares: Non-Finnish European, 0.00017%; no homozygotes.

Submission:

Labcorp Genetics (formerly Invitae), Labcorp
Classification: Uncertain significance. Last evaluated: 2023-11-27. Review status: criteria provided, single submitter. Criteria: Invitae Variant Classification Sherloc (09022015). Collection method: clinical testing. Allele origin: germline.
Comment: This sequence change replaces glycine, which is neutral and non-polar, with serine, which is neutral and polar, at codon 1269 of the TRPM1 protein (p.Gly1269Ser). This variant is present in population databases (rs375648893, gnomAD 0.0009%). This variant has not been reported in the literature in individuals affected with TRPM1-related conditions. ClinVar contains an entry for this variant (Variation ID: 1426878). Advanced modeling of protein sequence and biophysical properties (such as structural, functional, and spatial information, amino acid conservation, physicochemical variation, residue mobility, and thermodynamic stability) performed at Invitae indicates that this missense variant is not expected to disrupt TRPM1 protein function with a negative predictive value of 95%. In summary, the available evidence is currently insufficient to determine the role of this variant in disease. Therefore, it has been classified as a Variant of Uncertain Significance.

NM_001252024.2(TRPM1):c.3871G>A (p.Gly1291Ser)

Gene: TRPM1 (transient receptor potential cation channel subfamily M member 1; minus strand). Cytogenetic location: 15q13.3.
Variant type: single nucleotide variant.
Coding change: c.3871G>A on transcript NM_001252024.2 (MANE Select); coding-DNA position 3871, G replaced by A.
Protein change: p.Gly1291Ser; replaces glycine 1291 with serine.
Molecular consequence: missense variant.
Genome position (GRCh38, 1-based): chr15:31,002,829, C>T on the plus strand (G>A on the coding strand, the complement: TRPM1 is on the minus strand). VCF-style: chr15-31002829-C-T. GRCh37 (hg19) VCF-style: chr15-31295032-C-T.
Other names: c.3922G>A, p.Gly1308Ser (NM_001252020.2); c.3805G>A, p.Gly1269Ser (NM_002420.6); short protein forms G1308S, G1291S, G1269S.
Identifiers: ClinVar variation 1426878 (VCV001426878.6), dbSNP rs375648893, ClinGen allele CA7451741.
Genomic context (GRCh38, chr15:31,002,829, plus strand): 5'-GAGATGTATCCTCAAATAATAACTCTTCTCCGTTAAAATGATATCGATACAAGCTGTAGC[C>T]ATCAGCGCTATTGATGCTGCTTTGCCGGAGAAGATACGTTGCCTCACATTCAGAAGAAGC-3'
Protein context (NP_001238953.1, residues 1281-1301): LRQSSINSAD[Gly1291Ser]YSLYRYHFNG